The following is an entry in ClinVar:

ClinVar aggregate classification (germline): Uncertain significance (1 of 4 stars; one submission).

Allele frequency attached by ClinVar (database versions not stated): gnomAD exomes 0.00001; gnomAD 0.00002; ExAC 0.00003; TOPMed 0.00009; ESP Exome Variant Server 0.00015.
gnomAD v4.1: 17 of 1,608,022 alleles (0.0011%); highest among the groups gnomAD compares: African/African-American, 0.0067%; no homozygotes.

Submission:

Labcorp Genetics (formerly Invitae), Labcorp
Classification: Uncertain significance. Last evaluated: 2026-02-01. Review status: criteria provided, single submitter. Criteria: Invitae Variant Classification Sherloc (09022015). Collection method: clinical testing. Allele origin: germline.
Comment: This sequence change replaces glycine, which is neutral and non-polar, with serine, which is neutral and polar, at codon 247 of the CAPN5 protein (p.Gly247Ser). This variant is present in population databases (rs377145695, gnomAD 0.01%). This variant has not been reported in the literature in individuals affected with CAPN5-related conditions. ClinVar contains an entry for this variant (Variation ID: 956909). Invitae Evidence Modeling of protein sequence and biophysical properties (such as structural, functional, and spatial information, amino acid conservation, physicochemical variation, residue mobility, and thermodynamic stability) indicates that this missense variant is expected to disrupt CAPN5 protein function with a positive predictive value of 80%. In summary, the available evidence is currently insufficient to determine the role of this variant in disease. Therefore, it has been classified as a Variant of Uncertain Significance.

NM_004055.5(CAPN5):c.739G>A (p.Gly247Ser)

Gene: CAPN5 (calpain 5; plus strand). Cytogenetic location: 11q13.5.
Variant type: single nucleotide variant.
Coding change: c.739G>A on transcript NM_004055.5 (MANE Select); coding-DNA position 739, G replaced by A.
Protein change: p.Gly247Ser; replaces glycine 247 with serine.
Molecular consequence: missense variant.
Genome position (GRCh38, 1-based): chr11:77,115,434, G>A. VCF-style: chr11-77115434-G-A. GRCh37 (hg19) VCF-style: chr11-76826480-G-A.
Other names: short protein forms G247S.
Identifiers: ClinVar variation 956909 (VCV000956909.7), dbSNP rs377145695, ClinGen allele CA6196544.
Genomic context (GRCh38, chr11:77,115,434, plus strand): 5'-AGCAACTGTGTCCCTCCACAGGCAGTGACAGCAGCTGACATGGAGGCCCGCCTGGCGTGC[G>A]GCCTGGTAAAGGGCCACGCATACGCCGTCACTGATGTGCGCAAGGTGCGCCTGGGCCACG-3'
Protein context (NP_004046.2, residues 237-257): AADMEARLAC[Gly247Ser]LVKGHAYAVT